The following is an entry in ClinVar:

NM_000540.3(RYR1):c.12679G>T (p.Ala4227Ser)

Gene: RYR1 (ryanodine receptor 1; plus strand). Cytogenetic location: 19q13.2.
Variant type: single nucleotide variant.
Coding change: c.12679G>T on transcript NM_000540.3 (MANE Select); coding-DNA position 12679, G replaced by T.
Protein change: p.Ala4227Ser; replaces alanine 4227 with serine.
Molecular consequence: missense variant.
Genome position (GRCh38, 1-based): chr19:38,565,013, G>T. VCF-style: chr19-38565013-G-T. GRCh37 (hg19) VCF-style: chr19-39055653-G-T.
Other names: c.12664G>T, p.Ala4222Ser (NM_001042723.2); short protein forms A4227S, A4222S.
Identifiers: ClinVar variation 590412 (VCV000590412.7), dbSNP rs969949769, ClinGen allele CA308109044.

ClinVar aggregate classification (germline): Uncertain significance. Review status: criteria provided, multiple submitters, no conflicts (2 of 4 stars). 3 submissions from 3 submitters: Uncertain significance (3). Last evaluated 2025-09-03.

Conditions:
RYR1-related disorder. Also called: RYR1-related condition; RYR1-related disorders. Identifiers: MedGen CN239331.

Allele frequency attached by ClinVar (database versions not stated): gnomAD exomes 0.00001 and 0.00002; TOPMed 0.00002; gnomAD 0.00003.
gnomAD v4.1: 11 of 1,592,336 alleles (0.00069%); highest among the groups gnomAD compares: Non-Finnish European, 0.00094%; no homozygotes.

Submissions (3):

PreventionGenetics, part of Exact Sciences
Classification: Uncertain significance for RYR1-related condition. Last evaluated: 2025-09-03. Review status: criteria provided, single submitter. Criteria: ACMG Guidelines, 2015. Collection method: clinical testing. Allele origin: germline.
Comment: The RYR1 c.12679G>T variant is predicted to result in the amino acid substitution p.Ala4227Ser. To our knowledge, this variant has not been reported in the literature. This variant is reported in 0.0046% of alleles in individuals of European (Non-Finnish) descent in gnomAD. At this time, the clinical significance of this variant is uncertain due to the absence of conclusive functional and genetic evidence.

GeneDx
Classification: Uncertain significance. Last evaluated: 2024-09-22. Review status: criteria provided, single submitter. Criteria: GeneDx Variant Classification Process June 2021. Collection method: clinical testing. Allele origin: germline. Affected: yes.
Comment: Not observed at significant frequency in large population cohorts (gnomAD); In silico analysis indicates that this missense variant does not alter protein structure/function; Has not been previously published as pathogenic or benign to our knowledge

Labcorp Genetics (formerly Invitae), Labcorp
Classification: Uncertain significance for RYR1-related disorder. Last evaluated: 2022-08-22. Review status: criteria provided, single submitter. Criteria: Invitae Variant Classification Sherloc (09022015). Collection method: clinical testing. Allele origin: germline.
Comment: This sequence change replaces alanine, which is neutral and non-polar, with serine, which is neutral and polar, at codon 4227 of the RYR1 protein (p.Ala4227Ser). The frequency data for this variant in the population databases is considered unreliable, as metrics indicate poor data quality at this position in the gnomAD database. This variant has not been reported in the literature in individuals affected with RYR1-related conditions. ClinVar contains an entry for this variant (Variation ID: 590412). Advanced modeling of protein sequence and biophysical properties (such as structural, functional, and spatial information, amino acid conservation, physicochemical variation, residue mobility, and thermodynamic stability) performed at Invitae indicates that this missense variant is not expected to disrupt RYR1 protein function. In summary, the available evidence is currently insufficient to determine the role of this variant in disease. Therefore, it has been classified as a Variant of Uncertain Significance.